The following is an entry in ClinVar:

ClinVar aggregate classification (germline): Pathogenic (1 of 4 stars; one submission).

Conditions:
Fabry disease. Also called: ALPHA-GALACTOSIDASE A DEFICIENCY; ANDERSON-FABRY DISEASE; CERAMIDE TRIHEXOSIDASE DEFICIENCY; GLA DEFICIENCY; HEREDITARY DYSTOPIC LIPIDOSIS; Angiokeratoma corporis diffusum. Identifiers: Orphanet 324, MedGen C0002986, MONDO:0010526, OMIM 301500, HP:0001071. Disease mechanism: Fabry disease is due to inactivating mutations in the X-linked GLA gene resulting in deficiency of the enzyme Alpha Galactosidase-A., loss of function.

Submission:

Genomenon, Inc
Classification: Pathogenic for Fabry disease. Last evaluated: 2026-09-08. Review status: criteria provided, single submitter. Criteria: Genomenon Sequence Variant Interpretation Standards - Updated. Collection method: curation. Allele origin: germline. Affected: yes.
Comment: GLA p.Asp264Ala (c.791A>C) is a missense variant that changes the amino acid at codon 264 from Aspartic acid to Alanine. This variant has been observed in at least one proband with clinical features consistent with Fabry disease (PMID:25511234). At least one functional study has demonstrated a substantial alteration in protein function relative to the wild-type (PMID:32023956;31036492;23935525;27657681). This variant is located in a mutational hotspot and/or important functional domain. It is absent or not present at a significant frequency in gnomAD. In silico models predict that this variant is possibly or probably damaging. In conclusion, we classify GLA p.Asp264Ala (c.791A>C) as a pathogenic variant.

Literature cited by the submitters: PubMed 25511234; PubMed 32023956; PubMed 31036492; PubMed 23935525; PubMed 27657681.

NM_000169.3(GLA):c.791A>C (p.Asp264Ala)

Genes: GLA (galactosidase alpha; minus strand), RPL36A-HNRNPH2 (RPL36A-HNRNPH2 readthrough; plus strand). Cytogenetic location: Xq22.1.
Variant type: single nucleotide variant.
Coding change: c.791A>C on transcript NM_000169.3 (MANE Select); coding-DNA position 791, A replaced by C.
Protein change: p.Asp264Ala; replaces aspartic acid 264 with alanine.
Molecular consequence: missense variant. On other transcripts: non-coding transcript variant (3), intron variant (2).
Genome position (GRCh38, 1-based): chrX:101,398,795, T>G on the plus strand (A>C on the coding strand, the complement: GLA is on the minus strand). VCF-style: chrX-101398795-T-G. GRCh37 (hg19) VCF-style: chrX-100653783-T-G.
Other names: c.914A>C, p.Asp305Ala (NM_001406747.1); c.791A>C, p.Asp264Ala (NM_001406748.1); c.300+3338T>G (NM_001199973.2); c.177+6973T>G (NM_001199974.2); short protein forms D264A, D305A.
Identifiers: ClinVar variation 4087513 (VCV004087513.2).